The following is an entry in ClinVar:

NM_003737.4(DCHS1):c.7410G>T (p.Val2470=)

Gene: DCHS1 (dachsous cadherin-related 1; minus strand). Cytogenetic location: 11p15.4.
Variant type: single nucleotide variant.
Coding change: c.7410G>T on transcript NM_003737.4 (MANE Select); coding-DNA position 7410, G replaced by T.
Protein change: p.Val2470=; no amino-acid change (valine 2470 retained).
Molecular consequence: synonymous variant.
Genome position (GRCh38, 1-based): chr11:6,624,266, C>A on the plus strand (G>T on the coding strand, the complement: DCHS1 is on the minus strand). VCF-style: chr11-6624266-C-A. GRCh37 (hg19) VCF-style: chr11-6645497-C-A.
Other names: c.7410G>T (NM_003737.3).
Identifiers: ClinVar variation 1596013 (VCV001596013.18), dbSNP rs149685502, ClinGen allele CA5859610.

ClinVar aggregate classification (germline): Likely benign. Review status: criteria provided, multiple submitters, no conflicts (2 of 4 stars). 4 submissions from 4 submitters: Likely benign (3). 1 of the submissions does not count toward it. Last evaluated 2026-07-01.

Conditions:
DCHS1-related disorder. Also called: DCHS1-related condition.

Allele frequency attached by ClinVar (database versions not stated): ExAC 0.00016; gnomAD exomes 0.00018 and 0.00033; gnomAD 0.00023 and 0.00026; TOPMed 0.00023; ESP Exome Variant Server 0.00038.
gnomAD v4.1: 514 of 1,611,242 alleles (0.032%); highest among the groups gnomAD compares: Non-Finnish European, 0.041%; 1 homozygote.

Submissions (4):

CeGaT Center for Human Genetics Tuebingen
Classification: Likely benign. Last evaluated: 2026-07-01. Review status: criteria provided, single submitter. Criteria: CeGaT Center For Human Genetics Tuebingen Variant Classification Criteria Version 2. Collection method: clinical testing. Allele origin: germline. Affected: yes. Observed: 2 variant alleles.
Comment: DCHS1: BP4, BP7

Labcorp Genetics (formerly Invitae), Labcorp
Classification: Likely benign. Last evaluated: 2025-11-16. Review status: criteria provided, single submitter. Criteria: Invitae Variant Classification Sherloc (09022015). Collection method: clinical testing. Allele origin: germline.

Blueprint Genetics
Classification: Likely benign. Last evaluated: 2024-09-12. Review status: criteria provided, single submitter. Criteria: ACMG Guidelines, 2015. Collection method: clinical testing. Allele origin: germline.

PreventionGenetics, part of Exact Sciences
Classification: Likely benign for DCHS1-related condition. Last evaluated: 2022-08-18. Review status: no assertion criteria provided. Collection method: clinical testing. Allele origin: germline. Not counted in ClinVar's aggregate classification.
Comment: This variant is classified as likely benign based on ACMG/AMP sequence variant interpretation guidelines (Richards et al. 2015 PMID: 25741868, with internal and published modifications).